The following is an entry in ClinVar:

ClinVar aggregate classification (germline): other (0 of 4 stars; one submission).

Conditions:
Familial colorectal cancer. Identifiers: MedGen CN280943, MONDO:0023113. Disease mechanism: loss of function.

Allele frequency attached by ClinVar (database versions not stated): gnomAD 0.38051 and 0.39355; TOPMed 0.39885; 1000 Genomes Project 30x 0.42692; 1000 Genomes Project 0.43231.
gnomAD v4.1: 59,439 of 150,546 alleles (39%); highest among the groups gnomAD compares: East Asian, 67%; 14,054 homozygotes.

Submission:

Systems Biology Platform Zhejiang California International NanoSystems Institute
Classification: other for Familial colorectal cancer. Review status: no assertion criteria provided. Collection method: not provided. Allele origin: unknown.
ClinVar note: Converted during submission from cancer to other.

NM_000038.6(APC):c.835-5931C>A

Gene: APC (APC regulator of WNT signaling pathway; plus strand). Cytogenetic location: 5q22.2.
Variant type: single nucleotide variant.
Coding change: c.835-5931C>A on transcript NM_000038.6 (MANE Select); 5931 bases into the intron before coding-DNA position 835, C replaced by A.
Molecular consequence: intron variant.
Genome position (GRCh38, 1-based): chr5:112,809,564, C>A. VCF-style: chr5-112809564-C-A. GRCh37 (hg19) VCF-style: chr5-112145261-C-A.
Other names: c.835-5931C>A (NM_001354895.2, NM_001127510.3, NM_001354896.2 and 1 more transcripts); c.865-5931C>A (NM_001354897.2, NM_001354902.2); c.781-5931C>A (NM_001127511.3); c.760-5931C>A (NM_001354898.2, NM_001354904.2); c.-201-562C>A (NM_001354906.2); c.751-5931C>A (NM_001354899.2); c.658-5931C>A (NM_001354900.2, NM_001354901.2, NM_001354905.2).
Identifiers: ClinVar variation 83075 (VCV000083075.2), dbSNP rs2546106, ClinGen allele CA015311.